The following is an entry in ClinVar:

NC_000002.11:g.(?_44184514)_(44187783_?)del

Gene: LRPPRC (leucine rich pentatricopeptide repeat containing; minus strand). Cytogenetic location: 2p21.
Variant type: Deletion.
Identifiers: ClinVar variation 2427208 (VCV002427208.4).

ClinVar aggregate classification (germline): Pathogenic (1 of 4 stars; one submission).

Submission:

Labcorp Genetics (formerly Invitae), Labcorp
Classification: Pathogenic. Last evaluated: 2022-06-12. Review status: criteria provided, single submitter. Criteria: Invitae Variant Classification Sherloc (09022015). Collection method: clinical testing. Allele origin: germline.
Comment: For these reasons, this variant has been classified as Pathogenic. This variant has not been reported in the literature in individuals affected with LRPPRC-related conditions. This variant is a gross deletion of the genomic region encompassing exon(s) 13-14 of the LRPPRC gene. This deletion is out-of-frame, and is expected to create a premature termination codon and result in an absent or disrupted protein product. Loss-of-function variants in LRPPRC are known to be pathogenic (PMID: 26510951).

Literature cited by the submitters: PubMed 26510951.